The following is an entry in ClinVar:

NM_001942.4(DSG1):c.2951T>C (p.Met984Thr)

Genes: DSG1 (desmoglein 1; plus strand), DSG1-AS1 (DSG1 antisense RNA 1; minus strand). Cytogenetic location: 18q12.1.
Variant type: single nucleotide variant.
Coding change: c.2951T>C on transcript NM_001942.4 (MANE Select); coding-DNA position 2951, T replaced by C.
Protein change: p.Met984Thr; replaces methionine 984 with threonine.
Molecular consequence: missense variant.
Genome position (GRCh38, 1-based): chr18:31,355,147, T>C. VCF-style: chr18-31355147-T-C. GRCh37 (hg19) VCF-style: chr18-28935110-T-C.
Other names: short protein forms M984T.
Identifiers: ClinVar variation 1402774 (VCV001402774.6), dbSNP rs866163853, ClinGen allele CA297705000.
Genomic context (GRCh38, chr18:31,355,147, plus strand): 5'-TTAGTGGCACCACTGGGATCAGCGGTGGCATAGGCAGCAGTGGCCTGGTTGGCACCAGCA[T>C]GGGTGCTGGGAGCGGTGCCCTGAGTGGAGCTGGCATAAGTGGTGGTGGCATTGGCCTGAG-3'
Protein context (NP_001933.2, residues 974-994): IGSSGLVGTS[Met984Thr]GAGSGALSGA

ClinVar aggregate classification (germline): Uncertain significance (1 of 4 stars; one submission).

Allele frequency attached by ClinVar (database versions not stated): gnomAD exomes 0.00001.

Submission:

Labcorp Genetics (formerly Invitae), Labcorp
Classification: Uncertain significance. Last evaluated: 2024-01-25. Review status: criteria provided, single submitter. Criteria: Invitae Variant Classification Sherloc (09022015). Collection method: clinical testing. Allele origin: germline.
Comment: This sequence change replaces methionine, which is neutral and non-polar, with threonine, which is neutral and polar, at codon 984 of the DSG1 protein (p.Met984Thr). This variant is not present in population databases (gnomAD no frequency). This variant has not been reported in the literature in individuals affected with DSG1-related conditions. ClinVar contains an entry for this variant (Variation ID: 1402774). An algorithm developed to predict the effect of missense changes on protein structure and function (PolyPhen-2) suggests that this variant is likely to be tolerated. In summary, the available evidence is currently insufficient to determine the role of this variant in disease. Therefore, it has been classified as a Variant of Uncertain Significance.